The following is an entry in ClinVar:

NM_033118.4(MYLK2):c.869C>T (p.Ala290Val)

Gene: MYLK2 (myosin light chain kinase 2; plus strand). Cytogenetic location: 20q11.21.
Variant type: single nucleotide variant.
Coding change: c.869C>T on transcript NM_033118.4 (MANE Select); coding-DNA position 869, C replaced by T.
Protein change: p.Ala290Val; replaces alanine 290 with valine.
Molecular consequence: missense variant.
Genome position (GRCh38, 1-based): chr20:31,823,573, C>T. VCF-style: chr20-31823573-C-T. GRCh37 (hg19) VCF-style: chr20-30411376-C-T.
Other names: short protein forms A290V.
Identifiers: ClinVar variation 1764336 (VCV001764336.7), dbSNP rs1249774186, ClinGen allele CA408526564.

ClinVar aggregate classification (germline): Uncertain significance. Review status: criteria provided, multiple submitters, no conflicts (2 of 4 stars). 3 submissions from 3 submitters: Uncertain significance (3). Last evaluated 2025-10-01.

Conditions:
Hypertrophic cardiomyopathy 1 (CMH1). Also called: MYH7-Related Familial Hypertrophic Cardiomyopathy; Familial hypertrophic cardiomyopathy 1. Identifiers: MedGen C3495498, MONDO:0008647, OMIM 192600.

Allele frequency attached by ClinVar (database versions not stated): gnomAD 0.00001; gnomAD exomes 0.00001; TOPMed 0.00001.

Submissions (3):

GeneDx
Classification: Uncertain significance. Last evaluated: 2025-10-01. Review status: criteria provided, single submitter. Criteria: GeneDx Variant Classification Process June 2021. Collection method: clinical testing. Allele origin: germline.
Comment: Has not been previously published as pathogenic or benign to our knowledge; Not observed at significant frequency in large population cohorts (gnomAD); In silico analysis suggests that this missense variant does not alter protein structure/function

Ambry Genetics
Classification: Uncertain significance. Last evaluated: 2025-03-25. Review status: criteria provided, single submitter. Criteria: Ambry Variant Classification Scheme 2023. Collection method: clinical testing. Allele origin: germline.
Comment: The p.A290V variant (also known as c.869C>T), located in coding exon 4 of the MYLK2 gene, results from a C to T substitution at nucleotide position 869. The alanine at codon 290 is replaced by valine, an amino acid with similar properties. This amino acid position is conserved. In addition, this alteration is predicted to be tolerated by in silico analysis. Since supporting evidence is limited at this time, the clinical significance of this alteration remains unclear.

Labcorp Genetics (formerly Invitae), Labcorp
Classification: Uncertain significance for Hypertrophic cardiomyopathy 1. Last evaluated: 2024-04-04. Review status: criteria provided, single submitter. Criteria: Invitae Variant Classification Sherloc (09022015). Collection method: clinical testing. Allele origin: germline.
Comment: This sequence change replaces alanine, which is neutral and non-polar, with valine, which is neutral and non-polar, at codon 290 of the MYLK2 protein (p.Ala290Val). This variant is present in population databases (no rsID available, gnomAD 0.002%). This variant has not been reported in the literature in individuals affected with MYLK2-related conditions. ClinVar contains an entry for this variant (Variation ID: 1764336). Advanced modeling of protein sequence and biophysical properties (such as structural, functional, and spatial information, amino acid conservation, physicochemical variation, residue mobility, and thermodynamic stability) performed at Invitae indicates that this missense variant is not expected to disrupt MYLK2 protein function with a negative predictive value of 80%. In summary, the available evidence is currently insufficient to determine the role of this variant in disease. Therefore, it has been classified as a Variant of Uncertain Significance.